The following is an entry in ClinVar:

NM_005751.5(AKAP9):c.11546+58T>A

Gene: AKAP9 (A-kinase anchoring protein 9; plus strand). Cytogenetic location: 7q21.2.
Variant type: single nucleotide variant.
Coding change: c.11546+58T>A on transcript NM_005751.5 (MANE Select); 58 bases into the intron after coding-DNA position 11546, T replaced by A.
Molecular consequence: intron variant.
Genome position (GRCh38, 1-based): chr7:92,107,480, T>A. VCF-style: chr7-92107480-T-A. GRCh37 (hg19) VCF-style: chr7-91736794-T-A.
Other names: c.11522+58T>A (NM_147185.3); c.6191+58T>A (NM_001379277.1).
Identifiers: ClinVar variation 671887 (VCV000671887.3), dbSNP rs7785971, ClinGen allele CA12680742.

ClinVar aggregate classification (germline): Benign. Review status: criteria provided, multiple submitters, no conflicts (2 of 4 stars). 3 submissions from 3 submitters: Benign (3). Last evaluated 2021-12-05.

Conditions:
Long QT syndrome 11 (LQT11). Identifiers: Orphanet 101016, Orphanet 768, MedGen C2678483, MONDO:0012738, OMIM 611820.

Allele frequency attached by ClinVar (database versions not stated): 1000 Genomes Project 0.42831; 1000 Genomes Project 30x 0.43691; TOPMed 0.45815.
gnomAD v4.1: 612,475 of 1,541,082 alleles (40%); highest among the groups gnomAD compares: African/African-American, 64%; 125,736 homozygotes.

Submissions (3):

Genome-Nilou Lab
Classification: Benign for Long QT syndrome 11. Last evaluated: 2021-12-05. Review status: criteria provided, single submitter. Criteria: ACMG Guidelines, 2015. Collection method: clinical testing. Allele origin: germline. Affected: no.

GeneDx
Classification: Benign. Last evaluated: 2018-06-14. Review status: criteria provided, single submitter. Criteria: GeneDx Variant Classification (06012015). Collection method: clinical testing. Allele origin: germline. Affected: yes.
Comment: This variant is considered likely benign or benign based on one or more of the following criteria: it is a conservative change, it occurs at a poorly conserved position in the protein, it is predicted to be benign by multiple in silico algorithms, and/or has population frequency not consistent with disease.

Breakthrough Genomics
Classification: Benign. Review status: criteria provided, single submitter. Criteria: ACMG Guidelines, 2015. Collection method: not provided. Allele origin: germline. Inheritance: Autosomal dominant inheritance. Affected: yes.